The following is an entry in ClinVar:

NM_016239.4(MYO15A):c.9690+1G>A

Gene: MYO15A (myosin XVA; plus strand). Cytogenetic location: 17p11.2.
Variant type: single nucleotide variant.
Coding change: c.9690+1G>A on transcript NM_016239.4 (MANE Select); the canonical splice donor site of the intron after coding-DNA position 9690, G replaced by A.
Molecular consequence: splice donor variant.
Genome position (GRCh38, 1-based): chr17:18,163,322, G>A. VCF-style: chr17-18163322-G-A. GRCh37 (hg19) VCF-style: chr17-18066636-G-A.
Other names: c.9690+1G>A (NM_016239.3).
Identifiers: ClinVar variation 1297080 (VCV001297080.10), dbSNP rs2142404134, ClinGen allele CA398639187.

ClinVar aggregate classification (germline): Pathogenic. Review status: criteria provided, multiple submitters, no conflicts (2 of 4 stars). 5 submissions from 5 submitters: Pathogenic (4). 1 of the submissions does not count toward it. Last evaluated 2023-08-29.

Conditions:
Autosomal recessive nonsyndromic hearing loss 3. Also called: NEUROSENSORY NONSYNDROMIC RECESSIVE DEAFNESS 3. Identifiers: Orphanet 90636, MedGen C1838263, MONDO:0010860, OMIM 600316.

Submissions (5):

Labcorp Genetics (formerly Invitae), Labcorp
Classification: Pathogenic. Last evaluated: 2023-08-29. Review status: criteria provided, single submitter. Criteria: Invitae Variant Classification Sherloc (09022015). Collection method: clinical testing. Allele origin: germline.
Comment: This sequence change affects a donor splice site in intron 59 of the MYO15A gene. It is expected to disrupt RNA splicing. Variants that disrupt the donor or acceptor splice site typically lead to a loss of protein function (PMID: 16199547), and loss-of-function variants in MYO15A are known to be pathogenic (PMID: 17546645). This variant is not present in population databases (gnomAD no frequency). Disruption of this splice site has been observed in individual(s) with nonsyndromic deafness (PMID: 26011067, 33597575). It has also been observed to segregate with disease in related individuals. ClinVar contains an entry for this variant (Variation ID: 1297080). Algorithms developed to predict the effect of sequence changes on RNA splicing suggest that this variant may disrupt the consensus splice site. For these reasons, this variant has been classified as Pathogenic.

Juno Genomics, Hangzhou Juno Genomics, Inc
Classification: Pathogenic for Autosomal recessive nonsyndromic hearing loss 3. Review status: criteria provided, single submitter. Criteria: ACMG Guidelines, 2015. Collection method: clinical testing. Allele origin: germline. Affected: yes.
Comment: Absent from controls (or at extremely low frequency if recessive) in Genome Aggregation Database.;Null variant in a gene where loss of function (LOF) is a known mechanism of disease.;For recessive disorders, detected in trans with a pathogenic variant.;Co-segregation with disease in multiple affected family members.

Molecular Diagnosis Center for Deafness
Classification: Pathogenic for Autosomal recessive nonsyndromic hearing loss 3. Review status: criteria provided, single submitter. Criteria: ClinGen HL ACMG Specifications v1. Collection method: clinical testing. Allele origin: maternal. Observed: 2 variant alleles.

Shenzhen Maternity and Child Healthcare Hospital, Institute of Maternal and Child Medicine Research
Classification: Pathogenic for Autosomal recessive nonsyndromic hearing loss 3. Review status: criteria provided, single submitter. Criteria: ClinGen HL ACMG Specifications v1. Collection method: clinical testing. Allele origin: paternal. Inheritance: Autosomal recessive inheritance. Affected: yes. Observed: 1 compound heterozygote.

Deafness Molecular Diagnostic Center, Chinese PLA General Hospital
Classification: Pathogenic for Autosomal recessive nonsyndromic hearing loss 3. Review status: no assertion criteria provided. Collection method: case-control. Allele origin: maternal. Affected: yes. Not counted in ClinVar's aggregate classification.

Literature cited by the submitters: PubMed 16199547 (cited by Labcorp Genetics (formerly Invitae), Labcorp); PubMed 17546645 (cited by Labcorp Genetics (formerly Invitae), Labcorp); PubMed 26011067 (cited by Labcorp Genetics (formerly Invitae), Labcorp); PubMed 33597575 (cited by Labcorp Genetics (formerly Invitae), Labcorp).